The following is an entry in ClinVar:

NM_000059.4(BRCA2):c.3137A>G (p.Glu1046Gly)

Gene: BRCA2 (BRCA2 DNA repair associated; plus strand). Cytogenetic location: 13q13.1.
Variant type: single nucleotide variant.
Coding change: c.3137A>G on transcript NM_000059.4 (MANE Select); coding-DNA position 3137, A replaced by G.
Protein change: p.Glu1046Gly; replaces glutamic acid 1046 with glycine.
Molecular consequence: missense variant.
Genome position (GRCh38, 1-based): chr13:32,337,492, A>G. VCF-style: chr13-32337492-A-G. GRCh37 (hg19) VCF-style: chr13-32911629-A-G.
Other names: short protein forms E1046G.
Identifiers: ClinVar variation 51403 (VCV000051403.40), dbSNP rs80358559, ClinGen allele CA017285.

ClinVar aggregate classification (germline): Conflicting classifications of pathogenicity. Review status: criteria provided, conflicting classifications (1 of 4 stars). 9 submissions from 9 submitters: Uncertain significance (4); Likely benign (3). 2 of the submissions do not count toward it. Last evaluated 2026-01-25.

Conditions:
Hereditary breast ovarian cancer syndrome. Also called: Hereditary breast and ovarian cancer syndrome; Hereditary breast and ovarian cancer; Hereditary breast and ovarian cancer syndrome (HBOC); Breast and ovarian cancer; Hereditary breast and/or ovarian cancer syndrome; BRCA1- and BRCA2-Associated Hereditary Breast and Ovarian Cancer. Identifiers: Orphanet 145, MedGen C0677776, MeSH D061325, MONDO:0003582. Disease mechanism: loss of function.
Fanconi anemia complementation group D1. Also called: BRCA2-Related Fanconi Anemia. Identifiers: Orphanet 319462, MedGen C1838457, MONDO:0011584, OMIM 605724.
Breast-ovarian cancer, familial, susceptibility to, 2 (BROVCA2). Also called: BRCA2 Hereditary Breast and Ovarian Cancer. Identifiers: Orphanet 145, MedGen C2675520, MONDO:0012933, OMIM 612555. Disease mechanism: loss of function.
Hereditary cancer-predisposing syndrome. Also called: Neoplastic Syndromes, Hereditary; Tumor predisposition; Hereditary Cancer Syndrome; Hereditary neoplastic syndrome. Identifiers: Orphanet 140162, MedGen C0027672, MeSH D009386, MONDO:0015356.

Allele frequency attached by ClinVar (database versions not stated): gnomAD exomes below 0.00001 and 0.00001; TOPMed 0.00001; gnomAD 0.00002.
gnomAD v4.1: 21 of 1,609,298 alleles (0.0013%); highest among the groups gnomAD compares: Non-Finnish European, 0.0018%; no homozygotes.

Submissions (9):

Labcorp Genetics (formerly Invitae), Labcorp
Classification: Likely benign for Hereditary breast ovarian cancer syndrome. Last evaluated: 2026-01-25. Review status: criteria provided, single submitter. Criteria: Invitae Variant Classification Sherloc (09022015). Collection method: clinical testing. Allele origin: germline.

Ambry Genetics
Classification: Likely benign for Hereditary cancer-predisposing syndrome. Last evaluated: 2025-02-05. Review status: criteria provided, single submitter. Criteria: Ambry Variant Classification Scheme 2023. Collection method: clinical testing. Allele origin: germline.

Women's Health and Genetics/Laboratory Corporation of America, LabCorp
Classification: Uncertain significance. Last evaluated: 2025-01-27. Review status: criteria provided, single submitter. Criteria: LabCorp Variant Classification Summary - May 2015. Collection method: clinical testing. Allele origin: germline.
Comment: Variant summary: BRCA2 c.3137A>G (p.Glu1046Gly) results in a non-conservative amino acid change in the encoded protein sequence. Three of five in-silico tools predict a benign effect of the variant on protein function. The variant allele was found at a frequency of 1.3e-05 in 1609298 control chromosomes. This frequency is not significantly higher than estimated for a pathogenic variant in BRCA2 causing Hereditary Breast And Ovarian Cancer Syndrome (1.3e-05 vs 0.00075), allowing no conclusion about variant significance. c.3137A>G has been reported in the literature in individuals affected with ovarian carcinoma (example, Pal_2005, Krivokuca_2022) and in a patient with a low grade glioma (example, Zhang_2015). These report(s) do not provide unequivocal conclusions about association of the variant with Hereditary Breast And Ovarian Cancer Syndrome. At least one publication reports experimental evidence evaluating an impact on protein function. These results showed no damaging effect of this variant (Biswas_2023). The following publications have been ascertained in the context of this evaluation (PMID: 16284991, 26580448, 34284872, 37922907). ClinVar contains an entry for this variant (Variation ID: 51403). Based on the evidence outlined above, the variant was classified as uncertain significance.

Quest Diagnostics Nichols Institute San Juan Capistrano
Classification: Uncertain significance. Last evaluated: 2024-11-07. Review status: criteria provided, single submitter. Criteria: Quest Diagnostics criteria. Collection method: clinical testing. Allele origin: unknown.
Comment: The BRCA2 c.3137A>G (p.Glu1046Gly) variant has been reported in the published literature in individuals with a personal and/or family history of breast and/or ovarian cancer (PMID: 34284872 (2022), 16284991 (2005)), and described to be located in a region of the BRCA2 gene that is tolerant to missense sequence changes (PMID: 31911673 (2020)). The frequency of this variant in the general population, 0.0000041 (1/246562 chromosomes (Genome Aggregation Database)), is uninformative in the assessment of its pathogenicity. Analysis of this variant using bioinformatics tools for the prediction of the effect of amino acid changes on protein structure and function yielded conflicting predictions that this variant is benign or damaging. Based on the available information, we are unable to determine the clinical significance of this variant.

Color Diagnostics, LLC DBA Color Health
Classification: Uncertain significance for Hereditary cancer-predisposing syndrome. Last evaluated: 2023-08-02. Review status: criteria provided, single submitter. Criteria: ACMG Guidelines, 2015. Collection method: clinical testing. Allele origin: germline.
Comment: This missense variant replaces glutamic acid with glycine at codon 1046 of the BRCA2 protein. Computational prediction is inconclusive regarding the impact of this variant on protein structure and function (internally defined REVEL score threshold 0.5 < inconclusive < 0.7, PMID: 27666373). To our knowledge, functional studies have not been reported for this variant. This variant has been reported in individuals affected with ovarian cancer and pancreatic cancer (PMID: 16284991, Color internal data). This variant has been identified in 1/246562 chromosomes in the general population by the Genome Aggregation Database (gnomAD). The available evidence is insufficient to determine the role of this variant in disease conclusively. Therefore, this variant is classified as a Variant of Uncertain Significance.

University of Washington Department of Laboratory Medicine, University of Washington
Classification: Likely benign for Hereditary cancer-predisposing syndrome. Last evaluated: 2023-03-23. Review status: criteria provided, single submitter. Criteria: Dines et al. (Genet Med. 2020). Collection method: curation. Allele origin: germline.
Comment: Missense variant in a coldspot region where missense variants are very unlikely to be pathogenic (PMID:31911673).

BRCA2 exon 11 coldspot. Reclassification based on statistical prior probability.

GeneDx
Classification: Uncertain significance. Last evaluated: 2022-07-07. Review status: criteria provided, single submitter. Criteria: GeneDx Variant Classification Process June 2021. Collection method: clinical testing. Allele origin: germline. Affected: yes.
Comment: Not observed at a significant frequency in large population cohorts (gnomAD); In silico analysis supports that this missense variant has a deleterious effect on protein structure/function; Also known as 3365A>G; This variant is associated with the following publications: (PMID: 16284991, 10923033, 26580448)

Counsyl
Classification: Uncertain significance for Breast-ovarian cancer, familial, susceptibility to, 2. Last evaluated: 2017-03-16. Review status: no assertion criteria provided. Collection method: clinical testing. Allele origin: unknown. Not counted in ClinVar's aggregate classification.

Breast Cancer Information Core (BIC) (BRCA2)
Classification: Uncertain significance for Breast-ovarian cancer, familial 2. Last evaluated: 2003-12-23. Review status: no assertion criteria provided. Collection method: clinical testing. Allele origin: germline. Affected: yes. Observed: 1 variant allele. Not counted in ClinVar's aggregate classification.

Literature cited by the submitters: PubMed 26580448 (cited by 3 submitters); PubMed 16284991 (cited by 4 submitters); PubMed 34284872 (cited by Women's Health and Genetics/Laboratory Corporation of America, LabCorp and Quest Diagnostics Nichols Institute San Juan Capistrano); PubMed 37922907 (cited by Women's Health and Genetics/Laboratory Corporation of America, LabCorp and Quest Diagnostics Nichols Institute San Juan Capistrano); PubMed 31911673 (cited by Quest Diagnostics Nichols Institute San Juan Capistrano); PubMed 31853058 (cited by Quest Diagnostics Nichols Institute San Juan Capistrano).